The following is an entry in ClinVar:

ClinVar aggregate classification (germline): Likely benign. Review status: criteria provided, multiple submitters, no conflicts (2 of 4 stars). 3 submissions from 3 submitters: Likely benign (3). Last evaluated 2024-11-14.

Conditions:
Nephronophthisis. Also called: Juvenile Nephronophthisis. Identifiers: Orphanet 655, MedGen C0687120, MONDO:0019005, HP:0000090.
NPHP4-related disorder. Also called: NPHP4-related disorders; NPHP4-related condition. Identifiers: MedGen CN239384.

Allele frequency attached by ClinVar (database versions not stated): TOPMed below 0.00001; gnomAD 0.00001; ExAC 0.00002; gnomAD exomes 0.00002.
gnomAD v4.1: 28 of 1,613,902 alleles (0.0017%); highest among the groups gnomAD compares: South Asian, 0.027%; 1 homozygote.

Submissions (3):

PreventionGenetics, part of Exact Sciences
Classification: Likely benign for NPHP4-related condition. Last evaluated: 2024-11-14. Review status: criteria provided, single submitter. Criteria: ACMG Guidelines, 2015. Collection method: clinical testing. Allele origin: germline.
Comment: This variant is classified as likely benign based on ACMG/AMP sequence variant interpretation guidelines (Richards et al. 2015 PMID: 25741868, with internal and published modifications).

Labcorp Genetics (formerly Invitae), Labcorp
Classification: Likely benign for Nephronophthisis. Last evaluated: 2023-07-31. Review status: criteria provided, single submitter. Criteria: Invitae Variant Classification Sherloc (09022015). Collection method: clinical testing. Allele origin: germline.

Blueprint Genetics
Classification: Likely benign. Last evaluated: 2019-11-18. Review status: criteria provided, single submitter. Criteria: ACMG Guidelines, 2015. Collection method: clinical testing. Allele origin: germline.

NM_015102.5(NPHP4):c.1104A>G (p.Ala368=)

Gene: NPHP4 (nephrocystin 4; minus strand). Cytogenetic location: 1p36.31.
Variant type: single nucleotide variant.
Coding change: c.1104A>G on transcript NM_015102.5 (MANE Select); coding-DNA position 1104, A replaced by G.
Protein change: p.Ala368=; no amino-acid change (alanine 368 retained).
Molecular consequence: synonymous variant. On other transcripts: 5 prime UTR variant (2), non-coding transcript variant (1).
Genome position (GRCh38, 1-based): chr1:5,947,119, T>C on the plus strand (A>G on the coding strand, the complement: NPHP4 is on the minus strand). VCF-style: chr1-5947119-T-C. GRCh37 (hg19) VCF-style: chr1-6007179-T-C.
Other names: c.1104A>G (NM_015102.4); c.-263A>G (NM_001291593.2, NM_001291594.2).
Identifiers: ClinVar variation 2712571 (VCV002712571.5), dbSNP rs777588579, ClinGen allele CA554643.